The following is an entry in ClinVar:

ClinVar aggregate classification (germline): Pathogenic (1 of 4 stars; one submission).

Conditions:
Duchenne muscular dystrophy (DMD). Also called: MUSCULAR DYSTROPHY, PSEUDOHYPERTROPHIC PROGRESSIVE, DUCHENNE TYPE; Duchenne Muscular Dystrophy (DMD). Identifiers: Orphanet 98896, MedGen C0013264, MONDO:0010679, OMIM 310200.

Submission:

Labcorp Genetics (formerly Invitae), Labcorp
Classification: Pathogenic for Duchenne muscular dystrophy. Last evaluated: 2021-06-07. Review status: criteria provided, single submitter. Criteria: Invitae Variant Classification Sherloc (09022015). Collection method: clinical testing. Allele origin: germline.
Comment: This sequence change creates a premature translational stop signal (p.Gln2350*) in the DMD gene. It is expected to result in an absent or disrupted protein product. Loss-of-function variants in DMD are known to be pathogenic (PMID: 16770791, 25007885). This variant is not present in population databases (ExAC no frequency). This variant has not been reported in the literature in individuals with DMD-related conditions. For these reasons, this variant has been classified as Pathogenic.

Literature cited by the submitters: PubMed 16770791; PubMed 25007885.

NM_004006.3(DMD):c.7048C>T (p.Gln2350Ter)

Gene: DMD (dystrophin; minus strand). Cytogenetic location: Xp21.1.
Variant type: single nucleotide variant.
Coding change: c.7048C>T on transcript NM_004006.3 (MANE Select); coding-DNA position 7048, C replaced by T.
Protein change: p.Gln2350Ter; replaces glutamine 2350 with a stop codon.
Molecular consequence: nonsense. On other transcripts: 5 prime UTR variant (5).
Genome position (GRCh38, 1-based): chrX:31,875,238, G>A on the plus strand (C>T on the coding strand, the complement: DMD is on the minus strand). VCF-style: chrX-31875238-G-A. GRCh37 (hg19) VCF-style: chrX-31893355-G-A.
Other names: c.7024C>T, p.Gln2342Ter (NM_000109.4); c.7036C>T, p.Gln2346Ter (NM_004009.3); c.6679C>T, p.Gln2227Ter (NM_004010.3); c.3025C>T, p.Gln1009Ter (NM_004011.4); c.3016C>T, p.Gln1006Ter (NM_004012.4); c.-333C>T (NM_004013.3, NM_004020.4, NM_004021.3 and 2 more transcripts); short protein forms Q1009*, Q1006*, Q2342*, Q2346*, Q2227*, Q2350*.
Identifiers: ClinVar variation 1410046 (VCV001410046.6), dbSNP rs2149679978, ClinGen allele CA412659970.